The following is an entry in ClinVar:

ClinVar aggregate classification (germline): Uncertain significance (1 of 4 stars; one submission).

Conditions:
Early Myoclonic Encephalopathy. Identifiers: MedGen C0270855.

Submission:

Labcorp Genetics (formerly Invitae), Labcorp
Classification: Uncertain significance for Early Myoclonic Encephalopathy. Last evaluated: 2021-07-06. Review status: criteria provided, single submitter. Criteria: Invitae Variant Classification Sherloc (09022015). Collection method: clinical testing. Allele origin: germline.
Comment: Algorithms developed to predict the effect of missense changes on protein structure and function are either unavailable or do not agree on the potential impact of this missense change (SIFT: "Deleterious"; PolyPhen-2: "Probably Damaging"; Align-GVGD: "Class C0"). This variant has not been reported in the literature in individuals with JMJD1C-related conditions. This variant is not present in population databases (ExAC no frequency). This sequence change replaces proline with arginine at codon 1186 of the JMJD1C protein (p.Pro1186Arg). The proline residue is highly conserved and there is a moderate physicochemical difference between proline and arginine. In summary, the available evidence is currently insufficient to determine the role of this variant in disease. Therefore, it has been classified as a Variant of Uncertain Significance.

NM_032776.3(JMJD1C):c.3557C>G (p.Pro1186Arg)

Gene: JMJD1C (jumonji domain containing 1C; minus strand). Cytogenetic location: 10q21.3.
Variant type: single nucleotide variant.
Coding change: c.3557C>G on transcript NM_032776.3 (MANE Select); coding-DNA position 3557, C replaced by G.
Protein change: p.Pro1186Arg; replaces proline 1186 with arginine.
Molecular consequence: missense variant. On other transcripts: non-coding transcript variant (1).
Genome position (GRCh38, 1-based): chr10:63,208,112, G>C on the plus strand (C>G on the coding strand, the complement: JMJD1C is on the minus strand). VCF-style: chr10-63208112-G-C. GRCh37 (hg19) VCF-style: chr10-64967872-G-C.
Other names: c.3011C>G, p.Pro1004Arg (NM_001282948.2, NM_001318154.2); c.2693C>G, p.Pro898Arg (NM_001318153.2); c.3443C>G, p.Pro1148Arg (NM_001322252.2); c.2900C>G, p.Pro967Arg (NM_001322254.2, NM_001322258.2); short protein forms P1004R, P1148R, P1186R, P898R, P967R.
Identifiers: ClinVar variation 963676 (VCV000963676.9), dbSNP rs1846873544, ClinGen allele CA377041281.